The following is an entry in ClinVar:

ClinVar aggregate classification (germline): Benign (1 of 4 stars; one submission).

Allele frequency attached by ClinVar (database versions not stated): gnomAD exomes 0.21029; gnomAD 0.24239; TOPMed 0.24259; 1000 Genomes Project 0.27476; 1000 Genomes Project 30x 0.27592.
gnomAD v4.1: 304,642 of 1,425,668 alleles (21%); highest among the groups gnomAD compares: Admixed American, 40%; 35,204 homozygotes.

Submission:

GeneDx
Classification: Benign. Last evaluated: 2018-06-20. Review status: criteria provided, single submitter. Criteria: GeneDx Variant Classification (06012015). Collection method: clinical testing. Allele origin: germline. Affected: yes.
Comment: This variant is considered likely benign or benign based on one or more of the following criteria: it is a conservative change, it occurs at a poorly conserved position in the protein, it is predicted to be benign by multiple in silico algorithms, and/or has population frequency not consistent with disease.

NM_024577.4(SH3TC2):c.3053+103G>A

Gene: SH3TC2 (SH3 domain and tetratricopeptide repeats 2; minus strand). Cytogenetic location: 5q32.
Variant type: single nucleotide variant.
Coding change: c.3053+103G>A on transcript NM_024577.4 (MANE Select); 103 bases into the intron after coding-DNA position 3053, G replaced by A.
Molecular consequence: intron variant.
Genome position (GRCh38, 1-based): chr5:149,026,469, C>T on the plus strand (G>A on the coding strand, the complement: SH3TC2 is on the minus strand). VCF-style: chr5-149026469-C-T. GRCh37 (hg19) VCF-style: chr5-148406032-C-T.
Identifiers: ClinVar variation 670076 (VCV000670076.1), dbSNP rs10075404, ClinGen allele CA15361069.